The following is an entry in ClinVar:

ClinVar aggregate classification (germline): Conflicting classifications of pathogenicity. Review status: criteria provided, conflicting classifications (1 of 4 stars). 4 submissions from 4 submitters: Likely pathogenic (1); Uncertain significance (2). 1 of the submissions does not count toward it. Last evaluated 2024-03-03.

Conditions:
Cerebellar ataxia. Identifiers: Orphanet 102002, MedGen C0007758, MONDO:0000437.
Neurodegeneration, childhood-onset, with cerebellar ataxia and cognitive decline (CONDCAC). Identifiers: MedGen C5882726, MONDO:0957985, OMIM 620636.

Submissions (4):

SIB Swiss Institute of Bioinformatics
Classification: Likely pathogenic for Neurodegeneration, childhood-onset, with cerebellar ataxia and cognitive decline. Last evaluated: 2024-03-03. Review status: criteria provided, single submitter. Criteria: ACMG Guidelines, 2015. Collection method: curation. Allele origin: unknown. Affected: yes.
Comment: This variant is interpreted for Neurodegeneration, childhood-onset, with cerebellar ataxia and cognitive decline. The following ACMG Tag(s) were applied: Absent from controls (or at extremely low frequency if recessive) in gnomAD (PM2). De novo data (PS2). Prevalence in affected individuals statistically increased over controls (PS4-supporting). Well-established functional studies show a deleterious effect (PS3-supporting).

Broad Center for Mendelian Genomics, Broad Institute of MIT and Harvard
Classification: Uncertain significance for Cerebellar ataxia. Last evaluated: 2023-12-20. Review status: criteria provided, single submitter. Criteria: ACMG Guidelines, 2015. Collection method: curation. Allele origin: germline. Study: GREGoR Consortium.
Comment: While this gene is still lacking sufficient evidence to establish a gene-disease relationship, we believe this is a possible novel gene candidate for this phenotype. Given the limited information about this gene-disease relationship, the significance of the p.Pro512Leu variant is uncertain. If you have any additional information about functional evidence or other individuals with this phenotype that also have variants in CAPRIN1 we encourage you to reach out to us.

Revvity Omics, Revvity
Classification: Uncertain significance. Last evaluated: 2022-05-02. Review status: criteria provided, single submitter. Criteria: ACMG Guidelines, 2015. Collection method: clinical testing. Allele origin: germline.

OMIM
Classification: Pathogenic for NEURODEGENERATION, CHILDHOOD-ONSET, WITH CEREBELLAR ATAXIA AND COGNITIVE DECLINE. Last evaluated: 2024-04-11. Review status: no assertion criteria provided. Collection method: literature only. Allele origin: germline. Not counted in ClinVar's aggregate classification.

Literature cited by the submitters: PubMed 36136249 (cited by SIB Swiss Institute of Bioinformatics and OMIM).

NM_005898.5(CAPRIN1):c.1535C>T (p.Pro512Leu)

Gene: CAPRIN1 (cell cycle associated protein 1; plus strand). Cytogenetic location: 11p13.
Variant type: single nucleotide variant.
Coding change: c.1535C>T on transcript NM_005898.5 (MANE Select); coding-DNA position 1535, C replaced by T.
Protein change: p.Pro512Leu; replaces proline 512 with leucine.
Molecular consequence: missense variant.
Genome position (GRCh38, 1-based): chr11:34,090,659, C>T. VCF-style: chr11-34090659-C-T. GRCh37 (hg19) VCF-style: chr11-34112206-C-T.
Other names: NM_203364.3:c.1535C>T; c.1535C>T, p.Pro512Leu (NM_203364.3); short protein forms P512L.
Identifiers: ClinVar variation 2664503 (VCV002664503.6), dbSNP rs2496097769, ClinGen allele CA380030483.